The following is an entry in ClinVar:

ClinVar aggregate classification (germline): Uncertain significance (1 of 4 stars; one submission).

Submission:

Labcorp Genetics (formerly Invitae), Labcorp
Classification: Uncertain significance. Last evaluated: 2023-04-26. Review status: criteria provided, single submitter. Criteria: Invitae Variant Classification Sherloc (09022015). Collection method: clinical testing. Allele origin: germline.
Comment: In summary, the available evidence is currently insufficient to determine the role of this variant in disease. Therefore, it has been classified as a Variant of Uncertain Significance. Advanced modeling of protein sequence and biophysical properties (such as structural, functional, and spatial information, amino acid conservation, physicochemical variation, residue mobility, and thermodynamic stability) performed at Invitae indicates that this missense variant is not expected to disrupt ZCCHC8 protein function. This variant has not been reported in the literature in individuals affected with ZCCHC8-related conditions. This variant is not present in population databases (gnomAD no frequency). This sequence change replaces serine, which is neutral and polar, with asparagine, which is neutral and polar, at codon 459 of the ZCCHC8 protein (p.Ser459Asn).

NM_017612.5(ZCCHC8):c.1376G>A (p.Ser459Asn)

Gene: ZCCHC8 (zinc finger CCHC-type containing 8; minus strand). Cytogenetic location: 12q24.31.
Variant type: single nucleotide variant.
Coding change: c.1376G>A on transcript NM_017612.5 (MANE Select); coding-DNA position 1376, G replaced by A.
Protein change: p.Ser459Asn; replaces serine 459 with asparagine.
Molecular consequence: missense variant.
Genome position (GRCh38, 1-based): chr12:122,474,245, C>T on the plus strand (G>A on the coding strand, the complement: ZCCHC8 is on the minus strand). VCF-style: chr12-122474245-C-T. GRCh37 (hg19) VCF-style: chr12-122958792-C-T.
Other names: c.1145G>A, p.Ser382Asn (NM_001350935.2); c.1079G>A, p.Ser360Asn (NM_001350936.2); c.662G>A, p.Ser221Asn (NM_001350937.2, NM_001350938.2); short protein forms S221N, S382N, S360N, S459N.
Identifiers: ClinVar variation 2859610 (VCV002859610.3), dbSNP rs2547194946, ClinGen allele CA387049426.